The following is an entry in ClinVar:

NM_001378454.1(ALMS1):c.4384G>C (p.Val1462Leu)

Gene: ALMS1 (ALMS1 centrosome and basal body associated protein; plus strand). Cytogenetic location: 2p13.1.
Variant type: single nucleotide variant.
Coding change: c.4384G>C on transcript NM_001378454.1 (MANE Select); coding-DNA position 4384, G replaced by C.
Protein change: p.Val1462Leu; replaces valine 1462 with leucine.
Molecular consequence: missense variant.
Genome position (GRCh38, 1-based): chr2:73,450,911, G>C. VCF-style: chr2-73450911-G-C. GRCh37 (hg19) VCF-style: chr2-73678038-G-C.
Other names: c.4387G>C, p.Val1463Leu (NM_015120.4); short protein forms V1462L, V1463L.
Identifiers: ClinVar variation 3226612 (VCV003226612.2), dbSNP rs759341398, ClinGen allele CA1713701.

ClinVar aggregate classification (germline): Conflicting classifications of pathogenicity. Review status: criteria provided, conflicting classifications (1 of 4 stars). 2 submissions from 2 submitters: Uncertain significance (1); Likely benign (1). Last evaluated 2025-05-19.

Conditions:
Alstrom syndrome (ALMS). Identifiers: Orphanet 64, MedGen C0268425, MONDO:0008763, OMIM 203800.
Cardiovascular phenotype. Identifiers: MedGen CN230736.

Allele frequency attached by ClinVar (database versions not stated): ExAC 0.00001; gnomAD exomes 0.00001.
gnomAD v4.1: 7 of 1,614,040 alleles (0.00043%); highest among the groups gnomAD compares: South Asian, 0.0077%; no homozygotes.

Submissions (2):

Labcorp Genetics (formerly Invitae), Labcorp
Classification: Uncertain significance for Alstrom syndrome. Last evaluated: 2025-05-19. Review status: criteria provided, single submitter. Criteria: Invitae Variant Classification Sherloc (09022015). Collection method: clinical testing. Allele origin: germline.
Comment: This sequence change replaces valine, which is neutral and non-polar, with leucine, which is neutral and non-polar, at codon 1463 of the ALMS1 protein (p.Val1463Leu). This variant is present in population databases (rs759341398, gnomAD 0.003%). This variant has not been reported in the literature in individuals affected with ALMS1-related conditions. ClinVar contains an entry for this variant (Variation ID: 3226612). Experimental studies and prediction algorithms are not available or were not evaluated, and the functional significance of this variant is currently unknown. In summary, the available evidence is currently insufficient to determine the role of this variant in disease. Therefore, it has been classified as a Variant of Uncertain Significance.

Ambry Genetics
Classification: Likely benign for Cardiovascular phenotype. Last evaluated: 2024-03-07. Review status: criteria provided, single submitter. Criteria: Ambry Variant Classification Scheme 2023. Collection method: clinical testing. Allele origin: germline.